The following is an entry in ClinVar:

ClinVar aggregate classification (germline): Uncertain significance (1 of 4 stars; one submission).

Submission:

GeneDx
Classification: Uncertain significance. Last evaluated: 2024-09-06. Review status: criteria provided, single submitter. Criteria: GeneDx Variant Classification Process June 2021. Collection method: clinical testing. Allele origin: germline. Affected: yes.
Comment: Not observed at significant frequency in large population cohorts (gnomAD); Has not been previously published as pathogenic or benign to our knowledge; Canonical splice site variant in a gene for which loss-of-function is not a known mechanism of disease

NM_002473.6(MYH9):c.2038-1G>C

Gene: MYH9 (myosin heavy chain 9; minus strand). Cytogenetic location: 22q12.3.
Variant type: single nucleotide variant.
Coding change: c.2038-1G>C on transcript NM_002473.6 (MANE Select); the canonical splice acceptor site of the intron before coding-DNA position 2038, G replaced by C.
Molecular consequence: splice acceptor variant.
Genome position (GRCh38, 1-based): chr22:36,306,052, C>G on the plus strand (G>C on the coding strand, the complement: MYH9 is on the minus strand). VCF-style: chr22-36306052-C-G. GRCh37 (hg19) VCF-style: chr22-36702098-C-G.
Identifiers: ClinVar variation 3767725 (VCV003767725.1).